The following is an entry in ClinVar:

NM_001378454.1(ALMS1):c.10042C>T (p.Pro3348Ser)

Gene: ALMS1 (ALMS1 centrosome and basal body associated protein; plus strand). Cytogenetic location: 2p13.1.
Variant type: single nucleotide variant.
Coding change: c.10042C>T on transcript NM_001378454.1 (MANE Select); coding-DNA position 10042, C replaced by T.
Protein change: p.Pro3348Ser; replaces proline 3348 with serine.
Molecular consequence: missense variant.
Genome position (GRCh38, 1-based): chr2:73,550,401, C>T. VCF-style: chr2-73550401-C-T. GRCh37 (hg19) VCF-style: chr2-73777528-C-T.
Other names: c.10045C>T, p.Pro3349Ser (NM_015120.4); short protein forms P3348S, P3349S.
Identifiers: ClinVar variation 2832500 (VCV002832500.3), dbSNP rs2466385835, ClinGen allele CA347272533.

ClinVar aggregate classification (germline): Uncertain significance (1 of 4 stars; one submission).

Conditions:
Alstrom syndrome (ALMS). Identifiers: Orphanet 64, MedGen C0268425, MONDO:0008763, OMIM 203800.

Submission:

Labcorp Genetics (formerly Invitae), Labcorp
Classification: Uncertain significance for Alstrom syndrome. Last evaluated: 2023-07-31. Review status: criteria provided, single submitter. Criteria: Invitae Variant Classification Sherloc (09022015). Collection method: clinical testing. Allele origin: germline.
Comment: Algorithms developed to predict the effect of missense changes on protein structure and function output the following: SIFT: "Not Available"; PolyPhen-2: "Not Available"; Align-GVGD: "Not Available". The serine amino acid residue is found in multiple mammalian species, which suggests that this missense change does not adversely affect protein function. In summary, the available evidence is currently insufficient to determine the role of this variant in disease. Therefore, it has been classified as a Variant of Uncertain Significance. This variant has not been reported in the literature in individuals affected with ALMS1-related conditions. This variant is not present in population databases (gnomAD no frequency). This sequence change replaces proline, which is neutral and non-polar, with serine, which is neutral and polar, at codon 3349 of the ALMS1 protein (p.Pro3349Ser).